The following is an entry in ClinVar:

NM_000384.3(APOB):c.6754G>T (p.Val2252Leu)

Gene: APOB (apolipoprotein B; minus strand). Cytogenetic location: 2p24.1.
Variant type: single nucleotide variant.
Coding change: c.6754G>T on transcript NM_000384.3 (MANE Select); coding-DNA position 6754, G replaced by T.
Protein change: p.Val2252Leu; replaces valine 2252 with leucine.
Molecular consequence: missense variant.
Genome position (GRCh38, 1-based): chr2:21,010,114, C>A on the plus strand (G>T on the coding strand, the complement: APOB is on the minus strand). VCF-style: chr2-21010114-C-A. GRCh37 (hg19) VCF-style: chr2-21232986-C-A.
Other names: short protein forms V2252L.
Identifiers: ClinVar variation 918464 (VCV000918464.8), dbSNP rs758442604, ClinGen allele CA063487.

ClinVar aggregate classification (germline): Conflicting classifications of pathogenicity. Review status: criteria provided, conflicting classifications (1 of 4 stars). 2 submissions from 2 submitters: Uncertain significance (1); Likely benign (1). Last evaluated 2025-11-21.

Conditions:
Cardiovascular phenotype. Identifiers: MedGen CN230736.
Familial hypobetalipoproteinemia 1. Also called: Hypobetalipoproteinemia, normotriglyceridemic; Acanthocytosis with hypobetalipoproteinemia; APOB-Related Familial Hypobetalipoproteinemia. Identifiers: MedGen C4551990, MONDO:0014252, OMIM 615558.
Hypercholesterolemia, autosomal dominant, type B (FHCL2). Also called: Familial Hypercholesterolemia Type B; HYPERCHOLESTEROLEMIA, FAMILIAL, DUE TO LIGAND-DEFECTIVE APOLIPOPROTEIN B; Familial hypercholesterolemia 2; APOB-Related Familial Hypercholesterolemia, Autosomal Dominant; APOLIPOPROTEIN B-100, FAMILIAL DEFECTIVE; APOLIPOPROTEIN B-100, FAMILIAL LIGAND-DEFECTIVE. Identifiers: MedGen C1704417, MONDO:0007751, OMIM 144010.

Allele frequency attached by ClinVar (database versions not stated): ExAC 0.00001; TOPMed 0.00003.
gnomAD v4.1: 108 of 1,612,330 alleles (0.0067%); highest among the groups gnomAD compares: Non-Finnish European, 0.0082%; no homozygotes.

Submissions (2):

Labcorp Genetics (formerly Invitae), Labcorp
Classification: Likely benign for Familial hypobetalipoproteinemia 1; Hypercholesterolemia, autosomal dominant, type B. Last evaluated: 2025-11-21. Review status: criteria provided, single submitter. Criteria: Invitae Variant Classification Sherloc (09022015). Collection method: clinical testing. Allele origin: germline.

Ambry Genetics
Classification: Uncertain significance for Cardiovascular phenotype. Last evaluated: 2024-09-17. Review status: criteria provided, single submitter. Criteria: Ambry Variant Classification Scheme 2023. Collection method: clinical testing. Allele origin: germline.
Comment: The p.V2252L variant (also known as c.6754G>T), located in coding exon 26 of the APOB gene, results from a G to T substitution at nucleotide position 6754. The valine at codon 2252 is replaced by leucine, an amino acid with highly similar properties. This amino acid position is poorly conserved in available vertebrate species. In addition, this alteration is predicted to be tolerated by in silico analysis. Since supporting evidence is limited at this time, the clinical significance of this alteration remains unclear.